The following is an entry in ClinVar:

ClinVar aggregate classification (germline): Uncertain significance (1 of 4 stars; one submission).

Conditions:
COL10A1-related disorder. Also called: COL10A1-related condition.

Submission:

PreventionGenetics, part of Exact Sciences
Classification: Uncertain significance for COL10A1-related condition. Last evaluated: 2025-12-15. Review status: criteria provided, single submitter. Criteria: ACMG Guidelines, 2015. Collection method: clinical testing. Allele origin: germline.
Comment: The COL10A1 c.1036dupC variant is predicted to result in a frameshift and premature protein termination (p.Gln346Profs*9). To our knowledge, this variant has not been reported in the literature or in a large population database (gnomAD), indicating this variant is rare. To date, the protein-truncating variants in this gene that have been conclusively associated with disease cluster within the last exon near the 3' end of the gene (Human Gene Mutation Database). Although we suspect this variant may be pathogenic, at this time, the clinical significance of this variant is uncertain due to the absence of conclusive functional and genetic evidence.

NM_000493.4(COL10A1):c.1036dup (p.Gln346fs)

Genes: COL10A1 (collagen type X alpha 1 chain; minus strand), NT5DC1 (5'-nucleotidase domain containing 1; plus strand). Cytogenetic location: 6q22.1.
Variant type: Duplication.
Coding change: c.1036dup on transcript NM_000493.4 (MANE Select); coding-DNA position 1036, one base duplicated (C; older notation c.1036dupC).
Protein change: p.Gln346fs; shifts the reading frame from glutamine 346.
Molecular consequence: frameshift variant. On other transcripts: intron variant (1).
Genome position (GRCh38, 1-based): chr6:116,121,080, G duplicated on the plus strand (C on the coding strand, the reverse complement: COL10A1 is on the minus strand); the first of 4 consecutive G bases (chr6:116,121,080-116,121,083); duplicating any one gives the same sequence. VCF-style (leftmost placement, unchanged base first): chr6-116121079-T-TG. GRCh37 (hg19) VCF-style: chr6-116442242-T-TG.
Other names: c.1036dup, p.Gln346fs (NM_001424106.1, NM_001424107.1); c.529+3138dup (NM_152729.3); short protein forms Q346fs.
Identifiers: ClinVar variation 4995918 (VCV004995918.1).